The following is an entry in ClinVar:

NM_007294.4(BRCA1):c.204A>C (p.Ile68=)

Gene: BRCA1 (BRCA1 DNA repair associated; minus strand). Cytogenetic location: 17q21.31.
Variant type: single nucleotide variant.
Coding change: c.204A>C on transcript NM_007294.4 (MANE Select); coding-DNA position 204, A replaced by C.
Protein change: p.Ile68=; no amino-acid change (isoleucine 68 retained).
Molecular consequence: synonymous variant. On other transcripts: intron variant (95).
Genome position (GRCh38, 1-based): chr17:43,106,464, T>G on the plus strand (A>C on the coding strand, the complement: BRCA1 is on the minus strand). VCF-style: chr17-43106464-T-G. GRCh37 (hg19) VCF-style: chr17-41258481-T-G.
Other names: c.204A>C, p.Ile68= (NM_001407581.1, NM_001407582.1, NM_001407583.1 and 168 more transcripts); c.63A>C, p.Ile21= (NM_001407692.1, NM_001407694.1, NM_001407695.1 and 99 more transcripts); c.-218-11604A>C (NM_001407967.1, NM_001407966.1); c.-169-1508A>C (NM_001407959.1, NM_001407962.1, NM_001408512.1 and 4 more transcripts); c.2+14A>C (NM_001407885.1, NM_001407886.1, NM_001407898.1 and 58 more transcripts); c.81-1508A>C (NM_001408451.1); c.135-1508A>C (NM_001408475.1, NM_001407875.1, NM_001407659.1 and 21 more transcripts).
Identifiers: ClinVar variation 867943 (VCV000867943.3), dbSNP rs1555597192, ClinGen allele CA500128090.

Conditions:
Breast-ovarian cancer, familial, susceptibility to, 1 (BROVCA1). Also called: BRCA1 Hereditary Breast and Ovarian Cancer; OVARIAN CANCER, SUSCEPTIBILITY TO. Identifiers: Orphanet 145, MedGen C2676676, MONDO:0011450, OMIM 604370. Disease mechanism: loss of function.

Submission:

Brotman Baty Institute, University of Washington
No classification provided (evidence only). Condition: Breast-ovarian cancer, familial 1. Review status: no classification provided. Collection method: in vitro. Allele origin: not applicable. Functional consequence: functionally_normal.
ClinVar note: "not provided" was previously submitted as the classification for the variant. However, the classification appeared to be based only on an observation of functional data so it was converted to no classification on 2025-07-30.